The following is an entry in ClinVar:

ClinVar aggregate classification (germline): Pathogenic (1 of 4 stars; one submission).

Allele frequency attached by ClinVar (database versions not stated): gnomAD exomes below 0.00001.
gnomAD v4.1: 1 of 1,610,928 alleles (0.000062%); highest among the groups gnomAD compares: South Asian, 0.0011%; no homozygotes.

Submission:

Labcorp Genetics (formerly Invitae), Labcorp
Classification: Pathogenic. Last evaluated: 2022-12-31. Review status: criteria provided, single submitter. Criteria: Invitae Variant Classification Sherloc (09022015). Collection method: clinical testing. Allele origin: germline.
Comment: This variant has not been reported in the literature in individuals affected with OTOF-related conditions. This sequence change creates a premature translational stop signal (p.Gln347*) in the OTOF gene. It is expected to result in an absent or disrupted protein product. Loss-of-function variants in OTOF are known to be pathogenic (PMID: 18381613, 19250381, 22575033). This variant is not present in population databases (gnomAD no frequency). For these reasons, this variant has been classified as Pathogenic.

Literature cited by the submitters: PubMed 18381613; PubMed 19250381; PubMed 22575033.

NM_194248.3(OTOF):c.1039C>T (p.Gln347Ter)

Gene: OTOF (otoferlin; minus strand). Cytogenetic location: 2p23.3.
Variant type: single nucleotide variant.
Coding change: c.1039C>T on transcript NM_194248.3 (MANE Select); coding-DNA position 1039, C replaced by T.
Protein change: p.Gln347Ter; replaces glutamine 347 with a stop codon.
Molecular consequence: nonsense.
Genome position (GRCh38, 1-based): chr2:26,489,217, G>A on the plus strand (C>T on the coding strand, the complement: OTOF is on the minus strand). VCF-style: chr2-26489217-G-A. GRCh37 (hg19) VCF-style: chr2-26712085-G-A.
Other names: c.1039C>T, p.Gln347Ter (NM_001287489.2); short protein forms Q347*.
Identifiers: ClinVar variation 2977151 (VCV002977151.3), dbSNP rs2465289594, ClinGen allele CA346138033.
Genomic context (GRCh38, chr2:26,489,217, plus strand): 5'-CACGCTCCCTGAGCCATGCACACCTCGACTGACTGGCCATGCGCAGGTACTCACCTGGCT[G>A]CGAGTACACGGTTCCCACGTCCATTTTGAAGGAGCCCACCAGGGTGCCACTGCGCAGCAG-3'